The following is an entry in ClinVar:

NM_007074.4(CORO1A):c.1368G>A (p.Glu456=)

Gene: CORO1A (coronin 1A; plus strand). Cytogenetic location: 16p11.2.
Variant type: single nucleotide variant.
Coding change: c.1368G>A on transcript NM_007074.4 (MANE Select); coding-DNA position 1368, G replaced by A.
Protein change: p.Glu456=; no amino-acid change (glutamic acid 456 retained).
Molecular consequence: synonymous variant.
Genome position (GRCh38, 1-based): chr16:30,188,946, G>A. VCF-style: chr16-30188946-G-A. GRCh37 (hg19) VCF-style: chr16-30200267-G-A.
Other names: c.1368G>A, p.Glu456= (NM_001193333.3).
Identifiers: ClinVar variation 506972 (VCV000506972.1), dbSNP rs1319846937, ClinGen allele CA494620902.

ClinVar aggregate classification (germline): Likely benign (1 of 4 stars; one submission).

Allele frequency attached by ClinVar (database versions not stated): gnomAD exomes 0.00002 and 0.00004.

Submission:

GeneDx
Classification: Likely benign. Last evaluated: 2017-01-24. Review status: criteria provided, single submitter. Criteria: GeneDx Variant Classification (06012015). Collection method: clinical testing. Allele origin: germline. Affected: yes.
Comment: This variant is considered likely benign or benign based on one or more of the following criteria: it is a conservative change, it occurs at a poorly conserved position in the protein, it is predicted to be benign by multiple in silico algorithms, and/or has population frequency not consistent with disease.